The following is an entry in ClinVar:

ClinVar aggregate classification (germline): Uncertain significance (1 of 4 stars; one submission).

Conditions:
DNAH5-related disorder. Also called: DNAH5-related condition.

Submission:

PreventionGenetics, part of Exact Sciences
Classification: Uncertain significance for DNAH5-related condition. Last evaluated: 2023-06-08. Review status: criteria provided, single submitter. Criteria: ACMG Guidelines, 2015. Collection method: clinical testing. Allele origin: germline.
Comment: The DNAH5 c.6203G>T variant is predicted to result in the amino acid substitution p.Gly2068Val. To our knowledge, this variant has not been reported in the literature or in a large population database, indicating this variant is rare. At this time, the clinical significance of this variant is uncertain due to the absence of conclusive functional and genetic evidence.

NM_001369.3(DNAH5):c.6203G>T (p.Gly2068Val)

Gene: DNAH5 (dynein axonemal heavy chain 5; minus strand). Cytogenetic location: 5p15.2.
Variant type: single nucleotide variant.
Coding change: c.6203G>T on transcript NM_001369.3 (MANE Select); coding-DNA position 6203, G replaced by T.
Protein change: p.Gly2068Val; replaces glycine 2068 with valine.
Molecular consequence: missense variant.
Genome position (GRCh38, 1-based): chr5:13,830,072, C>A on the plus strand (G>T on the coding strand, the complement: DNAH5 is on the minus strand). VCF-style: chr5-13830072-C-A. GRCh37 (hg19) VCF-style: chr5-13830181-C-A.
Other names: short protein forms G2068V.
Identifiers: ClinVar variation 2632321 (VCV002632321.1), dbSNP rs2546878506, ClinGen allele CA359200845.